The following is an entry in ClinVar:

ClinVar aggregate classification (germline): Uncertain significance (1 of 4 stars; one submission).

Conditions:
Salla disease (SD). Also called: Less Severe FSASD (Salla Disease); Sialuria, Finnish type; N-acetylneuraminic acid (NANA) storage disease (NSD); Infantile sialic acid storage disorder (ISSD). Identifiers: Orphanet 309334, Orphanet 834, MedGen C1096903, MONDO:0011449, OMIM 604369.

Allele frequency attached by ClinVar (database versions not stated): TOPMed below 0.00001; gnomAD 0.00001; gnomAD exomes 0.00001.
gnomAD v4.1: 12 of 1,613,972 alleles (0.00074%); highest among the groups gnomAD compares: Non-Finnish European, 0.001%; no homozygotes.

Submission:

Labcorp Genetics (formerly Invitae), Labcorp
Classification: Uncertain significance for Salla disease. Last evaluated: 2022-06-19. Review status: criteria provided, single submitter. Criteria: Invitae Variant Classification Sherloc (09022015). Collection method: clinical testing. Allele origin: germline.
Comment: This sequence change replaces alanine, which is neutral and non-polar, with proline, which is neutral and non-polar, at codon 381 of the SLC17A5 protein (p.Ala381Pro). This variant is not present in population databases (gnomAD no frequency). This variant has not been reported in the literature in individuals affected with SLC17A5-related conditions. Algorithms developed to predict the effect of missense changes on protein structure and function are either unavailable or do not agree on the potential impact of this missense change (SIFT: "Deleterious"; PolyPhen-2: "Benign"; Align-GVGD: "Class C0"). In summary, the available evidence is currently insufficient to determine the role of this variant in disease. Therefore, it has been classified as a Variant of Uncertain Significance.

NM_012434.5(SLC17A5):c.1141G>C (p.Ala381Pro)

Gene: SLC17A5 (solute carrier family 17 member 5; minus strand). Cytogenetic location: 6q13.
Variant type: single nucleotide variant.
Coding change: c.1141G>C on transcript NM_012434.5 (MANE Select); coding-DNA position 1141, G replaced by C.
Protein change: p.Ala381Pro; replaces alanine 381 with proline.
Molecular consequence: missense variant.
Genome position (GRCh38, 1-based): chr6:73,610,518, C>G on the plus strand (G>C on the coding strand, the complement: SLC17A5 is on the minus strand). VCF-style: chr6-73610518-C-G. GRCh37 (hg19) VCF-style: chr6-74320241-C-G.
Other names: c.910G>C, p.Ala304Pro (NM_001382629.1); c.1141G>C, p.Ala381Pro (NM_001382630.1, NM_001382633.1); c.1162G>C, p.Ala388Pro (NM_001382631.1); c.1054G>C, p.Ala352Pro (NM_001382632.1); c.982G>C, p.Ala328Pro (NM_001382634.1); c.1138G>C, p.Ala380Pro (NM_001382635.1); c.823G>C, p.Ala275Pro (NM_001382636.1); short protein forms A352P, A380P, A388P, A381P, A275P, A304P, A328P.
Identifiers: ClinVar variation 2168892 (VCV002168892.1), dbSNP rs1354910507, ClinGen allele CA364721147.